The following is an entry in ClinVar:

ClinVar aggregate classification (germline): Uncertain significance. Review status: criteria provided, multiple submitters, no conflicts (2 of 4 stars). 2 submissions from 2 submitters: Uncertain significance (2). Last evaluated 2023-10-03.

Conditions:
Cardiovascular phenotype. Identifiers: MedGen CN230736.

Submissions (2):

Ambry Genetics
Classification: Uncertain significance for Cardiovascular phenotype. Last evaluated: 2023-10-03. Review status: criteria provided, single submitter. Criteria: Ambry Variant Classification Scheme 2023. Collection method: clinical testing. Allele origin: germline.
Comment: The p.P992T variant (also known as c.2974C>A), located in coding exon 1 of the ZNF469 gene, results from a C to A substitution at nucleotide position 2974. The proline at codon 992 is replaced by threonine, an amino acid with highly similar properties. This amino acid position is not well conserved in available vertebrate species. In addition, this alteration is predicted to be tolerated by in silico analysis. Since supporting evidence is limited at this time, the clinical significance of this alteration remains unclear.

GeneDx
Classification: Uncertain significance. Last evaluated: 2021-05-26. Review status: criteria provided, single submitter. Criteria: GeneDx Variant Classification Process June 2021. Collection method: clinical testing. Allele origin: germline. Affected: yes.
Comment: Not observed at significant frequency in large population cohorts (Lek et al., 2016); In silico analysis supports that this missense variant does not alter protein structure/function; Has not been previously published as pathogenic or benign to our knowledge

NM_001367624.2(ZNF469):c.2974C>A (p.Pro992Thr)

Gene: ZNF469 (zinc finger protein 469; plus strand). Cytogenetic location: 16q24.2.
Variant type: single nucleotide variant.
Coding change: c.2974C>A on transcript NM_001367624.2 (MANE Select); coding-DNA position 2974, C replaced by A.
Protein change: p.Pro992Thr; replaces proline 992 with threonine.
Molecular consequence: missense variant.
Genome position (GRCh38, 1-based): chr16:88,430,444, C>A. VCF-style: chr16-88430444-C-A. GRCh37 (hg19) VCF-style: chr16-88496852-C-A.
Other names: NM_001127464.1:c.2974C>A; short protein forms P992T.
Identifiers: ClinVar variation 1326732 (VCV001326732.3), dbSNP rs2142302909, ClinGen allele CA397076495.